The following is an entry in ClinVar:

ClinVar aggregate classification (germline): Uncertain significance (1 of 4 stars; one submission).

gnomAD v4.1: 1 of 1,582,312 alleles (0.000063%); highest among the groups gnomAD compares: Non-Finnish European, 0.000086%; no homozygotes.

Submission:

Ambry Genetics
Classification: Uncertain significance. Last evaluated: 2026-04-03. Review status: criteria provided, single submitter. Criteria: Ambry Variant Classification Scheme 2023. Collection method: clinical testing. Allele origin: germline.
Comment: The p.T25R variant (also known as c.74C>G), located in coding exon 2 of the RPS20 gene, results from a C to G substitution at nucleotide position 74. The threonine at codon 25 is replaced by arginine, an amino acid with similar properties. This amino acid position is highly conserved in available vertebrate species. In addition, this alteration is predicted to be deleterious by in silico analysis. Based on the available evidence, the clinical significance of this variant remains unclear.

NM_001023.4(RPS20):c.74C>G (p.Thr25Arg)

Gene: RPS20 (ribosomal protein S20; minus strand). Cytogenetic location: 8q12.1.
Variant type: single nucleotide variant.
Coding change: c.74C>G on transcript NM_001023.4 (MANE Select); coding-DNA position 74, C replaced by G.
Protein change: p.Thr25Arg; replaces threonine 25 with arginine.
Molecular consequence: missense variant.
Genome position (GRCh38, 1-based): chr8:56,074,089, G>C on the plus strand (C>G on the coding strand, the complement: RPS20 is on the minus strand). VCF-style: chr8-56074089-G-C. GRCh37 (hg19) VCF-style: chr8-56986648-G-C.
Other names: c.74C>G, p.Thr25Arg (NM_001146227.3); short protein forms T25R.
Identifiers: ClinVar variation 4863485 (VCV004863485.1).